The following is an entry in ClinVar:

ClinVar aggregate classification (germline): Conflicting classifications of pathogenicity. Review status: criteria provided, conflicting classifications (1 of 4 stars). 3 submissions from 3 submitters: Uncertain significance (2); Likely benign (1). Last evaluated 2026-01-14.

Conditions:
Cutis laxa with severe pulmonary, gastrointestinal and urinary anomalies. Also called: URBAN-RIFKIN-DAVIS SYNDROME; LTBP4-Related Cutis Laxa; Cutis laxa, autosomal recessive, type IC. Identifiers: Orphanet 221145, MedGen C2750804, MONDO:0013170, OMIM 613177. Disease mechanism: loss of function.

Allele frequency attached by ClinVar (database versions not stated): 1000 Genomes Project 30x 0.00047; 1000 Genomes Project 0.00060.
gnomAD v4.1: 185 of 1,613,106 alleles (0.011%); highest among the groups gnomAD compares: South Asian, 0.19%; 1 homozygote.

Submissions (3):

Labcorp Genetics (formerly Invitae), Labcorp
Classification: Likely benign. Last evaluated: 2026-01-14. Review status: criteria provided, single submitter. Criteria: Invitae Variant Classification Sherloc (09022015). Collection method: clinical testing. Allele origin: germline.

GeneDx
Classification: Uncertain significance. Last evaluated: 2024-05-10. Review status: criteria provided, single submitter. Criteria: GeneDx Variant Classification Process June 2021. Collection method: clinical testing. Allele origin: germline. Affected: yes.
Comment: In silico analysis supports that this missense variant has a deleterious effect on protein structure/function; Has not been previously published as pathogenic or benign to our knowledge

Neuberg Centre For Genomic Medicine, NCGM
Classification: Uncertain significance for Cutis laxa with severe pulmonary, gastrointestinal and urinary anomalies. Review status: criteria provided, single submitter. Criteria: ACMG Guidelines, 2015. Collection method: clinical testing. Allele origin: germline. Inheritance: Autosomal recessive inheritance. Affected: yes.
Comment: The missense c.1045G>Cp.Gly349Arg variant in LTBP4 gene has not been reported previously as a pathogenic variant nor a benign variant, to our knowledge. The p.Gly349Arg variant has been reported with allele frequency of 0.03% in gnomAD Exomes. This variant has not been reported to the ClinVar database. The amino acid change p.Gly349Arg in LTBP4 is predicted as conserved by GERP++ and PhyloP across 100 vertebrates. The amino acid Gly at position 349 is changed to a Arg changing protein sequence and it might alter its composition and physico-chemical properties. For these reasons, this variant has been classified as a Variant of Uncertain Significance VUS.

NM_001042545.2(LTBP4):c.1045G>C (p.Gly349Arg)

Gene: LTBP4 (latent transforming growth factor beta binding protein 4; plus strand). Cytogenetic location: 19q13.2.
Variant type: single nucleotide variant.
Coding change: c.1045G>C on transcript NM_001042545.2 (MANE Select); coding-DNA position 1045, G replaced by C.
Protein change: p.Gly349Arg; replaces glycine 349 with arginine.
Molecular consequence: missense variant.
Genome position (GRCh38, 1-based): chr19:40,607,418, G>C. VCF-style: chr19-40607418-G-C. GRCh37 (hg19) VCF-style: chr19-41113324-G-C.
Other names: c.1246G>C, p.Gly416Arg (NM_001042544.1); c.1135G>C, p.Gly379Arg (NM_003573.2); short protein forms G416R, G379R, G349R.
Identifiers: ClinVar variation 2902877 (VCV002902877.5), dbSNP rs577339340, ClinGen allele CA9448178.